The following is an entry in ClinVar:

ClinVar aggregate classification (germline): Uncertain significance (1 of 4 stars; one submission).

gnomAD v4.1: 1 of 1,614,166 alleles (0.000062%); highest among the groups gnomAD compares: Non-Finnish European, 0.000085%; no homozygotes.

Submission:

Labcorp Genetics (formerly Invitae), Labcorp
Classification: Uncertain significance. Last evaluated: 2025-03-18. Review status: criteria provided, single submitter. Criteria: Invitae Variant Classification Sherloc (09022015). Collection method: clinical testing. Allele origin: germline.
Comment: This sequence change replaces glycine, which is neutral and non-polar, with valine, which is neutral and non-polar, at codon 845 of the DLC1 protein (p.Gly845Val). This variant is not present in population databases (gnomAD no frequency). This variant has not been reported in the literature in individuals affected with DLC1-related conditions. An algorithm developed to predict the effect of missense changes on protein structure and function (PolyPhen-2) suggests that this variant is likely to be disruptive. In summary, the available evidence is currently insufficient to determine the role of this variant in disease. Therefore, it has been classified as a Variant of Uncertain Significance.

NM_182643.3(DLC1):c.2534G>T (p.Gly845Val)

Gene: DLC1 (DLC1 Rho GTPase activating protein; minus strand). Cytogenetic location: 8p22.
Variant type: single nucleotide variant.
Coding change: c.2534G>T on transcript NM_182643.3 (MANE Select); coding-DNA position 2534, G replaced by T.
Protein change: p.Gly845Val; replaces glycine 845 with valine.
Molecular consequence: missense variant.
Genome position (GRCh38, 1-based): chr8:13,099,803, C>A on the plus strand (G>T on the coding strand, the complement: DLC1 is on the minus strand). VCF-style: chr8-13099803-C-A. GRCh37 (hg19) VCF-style: chr8-12957312-C-A.
Other names: c.1001G>T, p.Gly334Val (NM_001413128.1, NM_001413133.1, NM_001413138.1 and 6 more transcripts); c.1325G>T, p.Gly442Val (NM_001413129.1, NM_001316668.2); c.1316G>T, p.Gly439Val (NM_001413130.1); c.974G>T, p.Gly325Val (NM_001413131.1, NM_001413137.1); c.1460G>T, p.Gly487Val (NM_001413132.1); c.1223G>T, p.Gly408Val (NM_001413135.1, NM_001413136.1, NM_001413139.1 and 1 more transcripts); c.1358G>T, p.Gly453Val (NM_001413140.1); c.2534G>T, p.Gly845Val (NM_001348081.2, NM_001413124.1); short protein forms G325V, G334V, G408V, G439V, G442V, G487V, G453V, G845V.
Identifiers: ClinVar variation 4780467 (VCV004780467.1).
Genomic context (GRCh38, chr8:13,099,803, plus strand): 5'-CTCTTCAGTTCCTTGGGGCTGTCGCTACTGTTTTCCCTCCTGAGGCTGATGTGGCCAGGG[C>A]CGTGGAAGCTTCCCGTCCTCCAGTTCACAGAGCCGTTATTCCCCGAGGGGGAGAAACTGC-3'
Protein context (NP_872584.2, residues 835-855): SVNWRTGSFH[Gly845Val]PGHISLRREN